The following is an entry in ClinVar:

NM_001206744.2(TPO):c.954C>T (p.Asn318=)

Gene: TPO (thyroid peroxidase; plus strand). Cytogenetic location: 2p25.3.
Variant type: single nucleotide variant.
Coding change: c.954C>T on transcript NM_001206744.2 (MANE Select); coding-DNA position 954, C replaced by T.
Protein change: p.Asn318=; no amino-acid change (asparagine 318 retained).
Molecular consequence: synonymous variant. On other transcripts: intron variant (1).
Genome position (GRCh38, 1-based): chr2:1,477,220, C>T. VCF-style: chr2-1477220-C-T. GRCh37 (hg19) VCF-style: chr2-1480992-C-T.
Other names: c.954C>T (NM_000547.5); c.954C>T, p.Asn318= (NM_000547.6, NM_001206745.2, NM_175719.4 and 1 more transcripts); c.820-7376C>T (NM_175722.3).
Identifiers: ClinVar variation 3019414 (VCV003019414.5), dbSNP rs946585048, ClinGen allele CA41406568.

ClinVar aggregate classification (germline): Likely benign. Review status: criteria provided, single submitter (1 of 4 stars). 2 submissions from 2 submitters: Likely benign (1). 1 of the submissions does not count toward it. Last evaluated 2023-10-14.

Conditions:
TPO-related disorder. Also called: TPO-related condition.

Allele frequency attached by ClinVar (database versions not stated): gnomAD 0.00002; TOPMed 0.00007.
gnomAD v4.1: 19 of 1,609,730 alleles (0.0012%); highest among the groups gnomAD compares: African/African-American, 0.008%; no homozygotes.

Submissions (2):

Labcorp Genetics (formerly Invitae), Labcorp
Classification: Likely benign. Last evaluated: 2023-10-14. Review status: criteria provided, single submitter. Criteria: Invitae Variant Classification Sherloc (09022015). Collection method: clinical testing. Allele origin: germline.

PreventionGenetics, part of Exact Sciences
Classification: Likely benign for TPO-related condition. Last evaluated: 2022-09-08. Review status: no assertion criteria provided. Collection method: clinical testing. Allele origin: germline. Not counted in ClinVar's aggregate classification.
Comment: This variant is classified as likely benign based on ACMG/AMP sequence variant interpretation guidelines (Richards et al. 2015 PMID: 25741868, with internal and published modifications).